The following is an entry in ClinVar:

ClinVar aggregate classification (germline): Uncertain significance (1 of 4 stars; one submission).

Conditions:
Long QT syndrome (LQTS). Identifiers: MedGen C0023976, MeSH D008133, MONDO:0002442. Disease mechanism: loss of function. Inheritance: Various modes of inheritance.

Allele frequency attached by ClinVar (database versions not stated): gnomAD exomes 0.00001.
gnomAD v4.1: 19 of 1,613,798 alleles (0.0012%); highest among the groups gnomAD compares: South Asian, 0.0033%; no homozygotes.

Submission:

Labcorp Genetics (formerly Invitae), Labcorp
Classification: Uncertain significance for Long QT syndrome. Last evaluated: 2021-08-05. Review status: criteria provided, single submitter. Criteria: Invitae Variant Classification Sherloc (09022015). Collection method: clinical testing. Allele origin: germline.
Comment: In summary, the available evidence is currently insufficient to determine the role of this variant in disease. Therefore, it has been classified as a Variant of Uncertain Significance. Algorithms developed to predict the effect of missense changes on protein structure and function output the following: SIFT: "Tolerated"; PolyPhen-2: "Benign"; Align-GVGD: "Class C0". The histidine amino acid residue is found in multiple mammalian species, which suggests that this missense change does not adversely affect protein function. This variant has not been reported in the literature in individuals affected with ANK2-related conditions. This variant is not present in population databases (ExAC no frequency). This sequence change replaces arginine with histidine at codon 1913 of the ANK2 protein (p.Arg1913His). The arginine residue is weakly conserved and there is a small physicochemical difference between arginine and histidine.

NM_001148.6(ANK2):c.5738G>A (p.Arg1913His)

Genes: ANK2 (ankyrin 2; plus strand), LOC126807136 (MED14-independent group 3 enhancer GRCh37_chr4:114274931-114276130; plus strand). Cytogenetic location: 4q26.
Variant type: single nucleotide variant.
Coding change: c.5738G>A on transcript NM_001148.6 (MANE Select); coding-DNA position 5738, G replaced by A.
Protein change: p.Arg1913His; replaces arginine 1913 with histidine.
Molecular consequence: missense variant. On other transcripts: intron variant (68).
Genome position (GRCh38, 1-based): chr4:113,354,356, G>A. VCF-style: chr4-113354356-G-A. GRCh37 (hg19) VCF-style: chr4-114275512-G-A.
Other names: c.5504G>A, p.Arg1835His (NM_001386142.1); c.2138G>A, p.Arg713His (NM_001386166.1); c.5879G>A, p.Arg1960His (NM_001386174.1); c.5855G>A, p.Arg1952His (NM_001386175.1); c.4411+4107G>A (NM_001386186.2, NM_001386148.2); c.4213+4107G>A (NM_001354269.3); c.4291+4107G>A (NM_001386187.2); c.4252+4107G>A (NM_001386147.1); and 35 more; short protein forms R1835H, R1913H, R713H, R1952H, R1960H.
Identifiers: ClinVar variation 1489558 (VCV001489558.6), dbSNP rs1480689138, ClinGen allele CA357921119.